The following is an entry in ClinVar:

ClinVar aggregate classification (germline): Uncertain significance (1 of 4 stars; one submission).

Submission:

GeneDx
Classification: Uncertain significance. Last evaluated: 2024-09-10. Review status: criteria provided, single submitter. Criteria: GeneDx Variant Classification Process June 2021. Collection method: clinical testing. Allele origin: germline. Affected: yes.
Comment: Not observed at significant frequency in large population cohorts (gnomAD); In silico analysis supports that this missense variant has a deleterious effect on protein structure/function; Has not been previously published as pathogenic or benign to our knowledge

NM_003995.4(NPR2):c.2705T>C (p.Val902Ala)

Gene: NPR2 (natriuretic peptide receptor 2; plus strand). Cytogenetic location: 9p13.3.
Variant type: single nucleotide variant.
Coding change: c.2705T>C on transcript NM_003995.4 (MANE Select); coding-DNA position 2705, T replaced by C.
Protein change: p.Val902Ala; replaces valine 902 with alanine.
Molecular consequence: missense variant.
Genome position (GRCh38, 1-based): chr9:35,807,391, T>C. VCF-style: chr9-35807391-T-C. GRCh37 (hg19) VCF-style: chr9-35807388-T-C.
Other names: c.2714T>C, p.Val905Ala (NM_001378923.1); short protein forms V902A, V905A.
Identifiers: ClinVar variation 3767550 (VCV003767550.1).